The following is an entry in ClinVar:

ClinVar aggregate classification (germline): Uncertain significance (1 of 4 stars; one submission).

Conditions:
Holoprosencephaly 11 (HPE11). Identifiers: Orphanet 2162, MedGen C3280215, MONDO:0013642, OMIM 614226.

Allele frequency attached by ClinVar (database versions not stated): gnomAD exomes below 0.00001 and 0.00001; TOPMed below 0.00001; gnomAD 0.00001.
gnomAD v4.1: 18 of 1,614,132 alleles (0.0011%); highest among the groups gnomAD compares: Non-Finnish European, 0.0015%; no homozygotes.

Submission:

Labcorp Genetics (formerly Invitae), Labcorp
Classification: Uncertain significance for Holoprosencephaly 11. Last evaluated: 2024-10-22. Review status: criteria provided, single submitter. Criteria: Invitae Variant Classification Sherloc (09022015). Collection method: clinical testing. Allele origin: germline.
Comment: This sequence change replaces glutamine, which is neutral and polar, with leucine, which is neutral and non-polar, at codon 1259 of the CDON protein (p.Gln1259Leu). This variant is present in population databases (no rsID available, gnomAD 0.0009%). This variant has not been reported in the literature in individuals affected with CDON-related conditions. ClinVar contains an entry for this variant (Variation ID: 1399410). An algorithm developed to predict the effect of missense changes on protein structure and function (PolyPhen-2) suggests that this variant is likely to be tolerated. In summary, the available evidence is currently insufficient to determine the role of this variant in disease. Therefore, it has been classified as a Variant of Uncertain Significance.

NM_001378964.1(CDON):c.3776A>T (p.Gln1259Leu)

Gene: CDON (cell adhesion associated, oncogene regulated; minus strand). Cytogenetic location: 11q24.2.
Variant type: single nucleotide variant.
Coding change: c.3776A>T on transcript NM_001378964.1 (MANE Select); coding-DNA position 3776, A replaced by T.
Protein change: p.Gln1259Leu; replaces glutamine 1259 with leucine.
Molecular consequence: missense variant.
Genome position (GRCh38, 1-based): chr11:125,960,961, T>A on the plus strand (A>T on the coding strand, the complement: CDON is on the minus strand). VCF-style: chr11-125960961-T-A. GRCh37 (hg19) VCF-style: chr11-125830856-T-A.
Other names: c.3845A>T, p.Gln1282Leu (NM_001243597.3); c.3776A>T, p.Gln1259Leu (NM_016952.6); short protein forms Q1282L, Q1259L.
Identifiers: ClinVar variation 1399410 (VCV001399410.8), dbSNP rs1461029725, ClinGen allele CA383212594.